The following is an entry in ClinVar:

ClinVar aggregate classification (germline): Benign. Review status: criteria provided, multiple submitters, no conflicts (2 of 4 stars). 4 submissions from 4 submitters: Benign (4). Last evaluated 2026-01-30.

Conditions:
Phosphoenolpyruvate carboxykinase deficiency, cytosolic (PCKDC). Also called: PCK1 DEFICIENCY, CYTOSOLIC; PEPCK DEFICIENCY, CYTOSOLIC. Identifiers: Orphanet 2880, MedGen C5574905, MONDO:0009866, OMIM 261680.

Allele frequency attached by ClinVar (database versions not stated): 1000 Genomes Project 0.05771; 1000 Genomes Project 30x 0.05856; TOPMed 0.09079; gnomAD 0.09093 and 0.09315; ExAC 0.09257; gnomAD exomes 0.09271 and 0.10700; ESP Exome Variant Server 0.09872.
gnomAD v4.1: 167,969 of 1,592,498 alleles (11%); highest among the groups gnomAD compares: Middle Eastern, 20%; 9,714 homozygotes.

Submissions (4):

Labcorp Genetics (formerly Invitae), Labcorp
Classification: Benign. Last evaluated: 2026-01-30. Review status: criteria provided, single submitter. Criteria: Invitae Variant Classification Sherloc (09022015). Collection method: clinical testing. Allele origin: germline.

GeneDx
Classification: Benign. Last evaluated: 2021-05-04. Review status: criteria provided, single submitter. Criteria: GeneDx Variant Classification Process June 2021. Collection method: clinical testing. Allele origin: germline. Affected: yes.
Comment: This variant is associated with the following publications: (PMID: 20574532, 21152065)

Illumina Laboratory Services, Illumina
Classification: Benign for Phosphoenolpyruvate carboxykinase deficiency, cytosolic. Last evaluated: 2018-03-06. Review status: criteria provided, single submitter. Criteria: ICSL Variant Classification Criteria 13 December 2019. Collection method: clinical testing. Allele origin: germline.
Comment: This variant was observed in the ICSL laboratory as part of a predisposition screen in an ostensibly healthy population. It had not been previously curated by ICSL or reported in the Human Gene Mutation Database (HGMD: prior to June 1st, 2018), and was therefore a candidate for classification through an automated scoring system. Utilizing variant allele frequency, disease prevalence and penetrance estimates, and inheritance mode, an automated score was calculated to assess if this variant is too frequent to cause the disease. Based on the score and internal cut-off values, a variant classified as benign is not then subjected to further curation. The score for this variant resulted in a classification of benign for this disease.

Breakthrough Genomics
Classification: Benign. Review status: criteria provided, single submitter. Criteria: ACMG Guidelines, 2015. Collection method: not provided. Allele origin: germline. Inheritance: Autosomal recessive inheritance. Affected: yes.

NM_002591.4(PCK1):c.799A>G (p.Ile267Val)

Gene: PCK1 (phosphoenolpyruvate carboxykinase 1; plus strand). Cytogenetic location: 20q13.31.
Variant type: single nucleotide variant.
Coding change: c.799A>G on transcript NM_002591.4 (MANE Select); coding-DNA position 799, A replaced by G.
Protein change: p.Ile267Val; replaces isoleucine 267 with valine.
Molecular consequence: missense variant.
Genome position (GRCh38, 1-based): chr20:57,563,565, A>G. VCF-style: chr20-57563565-A-G. GRCh37 (hg19) VCF-style: chr20-56138621-A-G.
Other names: short protein forms I267V.
Identifiers: ClinVar variation 338882 (VCV000338882.14), dbSNP rs8192708, ClinGen allele CA9922170.